The following is an entry in ClinVar:

NM_004260.4(RECQL4):c.428C>T (p.Pro143Leu)

Gene: RECQL4 (RecQ like helicase 4; minus strand). Cytogenetic location: 8q24.3.
Variant type: single nucleotide variant.
Coding change: c.428C>T on transcript NM_004260.4 (MANE Select); coding-DNA position 428, C replaced by T.
Protein change: p.Pro143Leu; replaces proline 143 with leucine.
Molecular consequence: missense variant.
Genome position (GRCh38, 1-based): chr8:144,516,691, G>A on the plus strand (C>T on the coding strand, the complement: RECQL4 is on the minus strand). VCF-style: chr8-144516691-G-A. GRCh37 (hg19) VCF-style: chr8-145742075-G-A.
Other names: c.428C>T (NM_004260.3); short protein forms P143L.
Identifiers: ClinVar variation 1438767 (VCV001438767.7), dbSNP rs751329011, ClinGen allele CA372691521.

ClinVar aggregate classification (germline): Uncertain significance. Review status: criteria provided, multiple submitters, no conflicts (2 of 4 stars). 2 submissions from 2 submitters: Uncertain significance (2). Last evaluated 2025-01-06.

Conditions:
Inborn genetic diseases. Identifiers: MedGen C0950123, MeSH D030342.
Baller-Gerold syndrome (BGS). Also called: CRANIOSYNOSTOSIS WITH RADIAL DEFECTS. Identifiers: Orphanet 1225, MedGen C0265308, MONDO:0009039, OMIM 218600.

Submissions (2):

Ambry Genetics
Classification: Uncertain significance for Inborn genetic diseases. Last evaluated: 2025-01-06. Review status: criteria provided, single submitter. Criteria: Ambry Variant Classification Scheme 2023. Collection method: clinical testing. Allele origin: germline.
Comment: The p.P143L variant (also known as c.428C>T), located in coding exon 5 of the RECQL4 gene, results from a C to T substitution at nucleotide position 428. The proline at codon 143 is replaced by leucine, an amino acid with similar properties. This amino acid position is conserved. In addition, this alteration is predicted to be tolerated by in silico analysis. Based on the available evidence, the clinical significance of this variant remains unclear.

Labcorp Genetics (formerly Invitae), Labcorp
Classification: Uncertain significance for Baller-Gerold syndrome. Last evaluated: 2020-12-29. Review status: criteria provided, single submitter. Criteria: Invitae Variant Classification Sherloc (09022015). Collection method: clinical testing. Allele origin: germline.
Comment: Experimental studies and prediction algorithms are not available or were not evaluated, and the functional significance of this variant is currently unknown. In summary, the available evidence is currently insufficient to determine the role of this variant in disease. Therefore, it has been classified as a Variant of Uncertain Significance. This variant has not been reported in the literature in individuals with RECQL4-related conditions. This variant is not present in population databases (ExAC no frequency). This sequence change replaces proline with leucine at codon 143 of the RECQL4 protein (p.Pro143Leu). The proline residue is moderately conserved and there is a moderate physicochemical difference between proline and leucine.